The following is an entry in ClinVar:

ClinVar aggregate classification (germline): Pathogenic (1 of 4 stars; one submission).

Conditions:
Cohen syndrome (COH1). Also called: PEPPER SYNDROME; Cutis verticis gyrata, retinitis pigmentosa, and sensorineural deafness. Identifiers: Orphanet 193, MedGen C0265223, MONDO:0008999, OMIM 216550.

Submission:

Myriad Genetics, Inc.
Classification: Pathogenic for Cohen syndrome. Last evaluated: 2025-07-03. Review status: criteria provided, single submitter. Criteria: Myriad Autosomal Dominant, Autosomal Recessive and X-Linked Classification Criteria (2023). Collection method: clinical testing. Allele origin: unknown.
Comment: NM_017890.4(VPS13B):c.10241_10244delTCAC(L3414Hfs*40) is a frameshift variant classified as pathogenic in the context of Cohen syndrome. L3414Hfs*40 has not been observed in cases with relevant disease. Relevant functional assessments of this variant are not available in the literature. L3414Hfs*40 has not been observed in referenced population frequency databases. In summary, NM_017890.4(VPS13B):c.10241_10244delTCAC(L3414Hfs*40) is a frameshift variant in a gene where loss of function is a known mechanism of disease and is predicted to disrupt protein function. Please note: this variant was assessed in the context of healthy population screening.

NM_152564.5(VPS13B):c.10166_10169del (p.Leu3389fs)

Gene: VPS13B (vacuolar protein sorting 13 homolog B; plus strand). Cytogenetic location: 8q22.2.
Variant type: Deletion.
Coding change: c.10166_10169del on transcript NM_152564.5 (MANE Select); coding-DNA positions 10166 to 10169, 4 bases deleted (TCAC; older notation c.10166_10169delTCAC).
Protein change: p.Leu3389fs; shifts the reading frame from leucine 3389.
Molecular consequence: frameshift variant.
Genome position (GRCh38, 1-based): chr8:99,853,555-99,853,558, TCAC deleted; deleting any 4 consecutive bases within chr8:99,853,553-99,853,558 gives the same sequence; the c. name uses the placement nearest the transcript's 3' end. VCF-style (leftmost placement, unchanged base first): chr8-99853552-GACTC-G. GRCh37 (hg19) VCF-style: chr8-100865780-GACTC-G.
Other names: c.10241_10244del, p.Leu3414fs (NM_017890.5); short protein forms L3389fs, L3414fs.
Identifiers: ClinVar variation 4081828 (VCV004081828.1).